The following is an entry in ClinVar:

NM_007078.3(LDB3):c.1647A>G (p.Pro549=)

Gene: LDB3 (LIM domain binding 3; plus strand). Cytogenetic location: 10q23.2.
Variant type: single nucleotide variant.
Coding change: c.1647A>G on transcript NM_007078.3 (MANE Select); coding-DNA position 1647, A replaced by G.
Protein change: p.Pro549=; no amino-acid change (proline 549 retained).
Molecular consequence: synonymous variant.
Genome position (GRCh38, 1-based): chr10:86,716,742, A>G. VCF-style: chr10-86716742-A-G. GRCh37 (hg19) VCF-style: chr10-88476499-A-G.
Other names: c.1317A>G, p.Pro439= (NM_001080114.2); c.1662A>G, p.Pro554= (NM_001171610.2); c.1458A>G, p.Pro486= (NM_001368064.1, NM_001368065.1); c.1506A>G, p.Pro502= (NM_001368066.1).
Identifiers: ClinVar variation 2019841 (VCV002019841.4), dbSNP rs1274114155, ClinGen allele CA470308398.
Genomic context (GRCh38, chr10:86,716,742, plus strand): 5'-ACCACTTGCCAGGGGGACCGTCCAGAGGGCTGAGCGATTCCCAGCCAGCAGCCGGACTCC[A>G]CTCTGCGGTCACTGCAACAATGTCATCCGGTATGGTCCAGCTGTGCCCCTGCACTGGGGC-3'
Protein context (NP_009009.1, residues 539-559): AERFPASSRT[Pro549=]LCGHCNNVIR

ClinVar aggregate classification (germline): Uncertain significance (1 of 4 stars; one submission).

Conditions:
Myofibrillar myopathy 4. Also called: Zaspopathy (type). Identifiers: Orphanet 98912, MedGen C4721886, MONDO:0012277, OMIM 609452.

Submission:

Labcorp Genetics (formerly Invitae), Labcorp
Classification: Uncertain significance for Myofibrillar myopathy 4. Last evaluated: 2022-07-27. Review status: criteria provided, single submitter. Criteria: Invitae Variant Classification Sherloc (09022015). Collection method: clinical testing. Allele origin: germline.
Comment: In summary, the available evidence is currently insufficient to determine the role of this variant in disease. Therefore, it has been classified as a Variant of Uncertain Significance. Experimental studies and prediction algorithms are not available or were not evaluated, and the effect of this variant on mRNA splicing is currently unknown. This variant has not been reported in the literature in individuals affected with LDB3-related conditions. This variant is not present in population databases (gnomAD no frequency). This sequence change affects codon 549 of the LDB3 mRNA. It is a 'silent' change, meaning that it does not change the encoded amino acid sequence of the LDB3 protein. The LDB3 gene has multiple clinically relevant transcripts. This variant occurs in alternate transcript NM_007078.3, and corresponds to NM_001080116.1:c.*17368A>G in the primary transcript.